The following is an entry in ClinVar:

ClinVar aggregate classification (germline): Uncertain significance (1 of 4 stars; one submission).

Submission:

GeneDx
Classification: Uncertain significance. Last evaluated: 2025-12-19. Review status: criteria provided, single submitter. Criteria: GeneDx Variant Classification Process June 2021. Collection method: clinical testing. Allele origin: germline.
Comment: Not observed at significant frequency in large population cohorts (gnomAD); In silico analysis supports that this missense variant has a deleterious effect on protein structure/function; Has not been previously published as pathogenic or benign to our knowledge

NM_078480.3(PUF60):c.1370G>A (p.Arg457His)

Gene: PUF60 (poly(U) binding splicing factor 60; minus strand). Cytogenetic location: 8q24.3.
Variant type: single nucleotide variant.
Coding change: c.1370G>A on transcript NM_078480.3 (MANE Select); coding-DNA position 1370, G replaced by A.
Protein change: p.Arg457His; replaces arginine 457 with histidine.
Molecular consequence: missense variant.
Genome position (GRCh38, 1-based): chr8:143,816,920, C>T on the plus strand (G>A on the coding strand, the complement: PUF60 is on the minus strand). VCF-style: chr8-143816920-C-T. GRCh37 (hg19) VCF-style: chr8-144899090-C-T.
Other names: c.1241G>A, p.Arg414His (NM_001136033.3); c.1316G>A, p.Arg439His (NM_001271096.2); c.1232G>A, p.Arg411His (NM_001271097.2); c.1367G>A, p.Arg456His (NM_001271098.2); c.1283G>A, p.Arg428His (NM_001271099.2); c.1190G>A, p.Arg397His (NM_001271100.2); c.1481G>A, p.Arg494His (NM_001362895.2, NM_001362896.2); c.1430G>A, p.Arg477His (NM_001362897.2); and 1 more; short protein forms R397H, R411H, R414H, R428H, R439H, R440H, R456H, R457H.
Identifiers: ClinVar variation 3252698 (VCV003252698.2), dbSNP rs1816382128.
Genomic context (GRCh38, chr8:143,816,920, plus strand): 5'-GCCCCGCCCCCCTACCCTCTCCCCCGCCACCACCCTGCCCCTCTGCCTACCTCCTGCTTG[C>T]GGAGCAGCTTCTGCATCACCATGTGTCGGGCGCTACTGCCCGAGATGCTCATGTGCTCCT-3'
Protein context (NP_510965.1, residues 447-467): ARHMVMQKLL[Arg457His]KQESTVMVLR